The following is an entry in ClinVar:

ClinVar aggregate classification (germline): Likely benign. Review status: criteria provided, multiple submitters, no conflicts (2 of 4 stars). 2 submissions from 2 submitters: Likely benign (2). Last evaluated 2026-04-01.

Conditions:
Tay-Sachs disease (TSD). Also called: HEXA DEFICIENCY; GM2 gangliosidosis, type 1; Hexosaminidase alpha-subunit deficiency (variant B); Sphingolipidosis, Tay-Sachs; HEXA Disorders; Hexosaminidase A Deficiency. Identifiers: Orphanet 845, MedGen C0039373, MONDO:0010100, OMIM 272800.

Allele frequency attached by ClinVar (database versions not stated): ExAC 0.00001; gnomAD 0.00001; gnomAD exomes 0.00001; TOPMed 0.00002.
gnomAD v4.1: 36 of 1,611,198 alleles (0.0022%); highest among the groups gnomAD compares: Non-Finnish European, 0.0027%; no homozygotes.

Submissions (2):

CeGaT Center for Human Genetics Tuebingen
Classification: Likely benign. Last evaluated: 2026-04-01. Review status: criteria provided, single submitter. Criteria: CeGaT Center For Human Genetics Tuebingen Variant Classification Criteria Version 2. Collection method: clinical testing. Allele origin: germline. Affected: yes. Observed: 1 variant allele.
Comment: HEXA: BP4, BP7

Labcorp Genetics (formerly Invitae), Labcorp
Classification: Likely benign for Tay-Sachs disease. Last evaluated: 2026-01-19. Review status: criteria provided, single submitter. Criteria: Invitae Variant Classification Sherloc (09022015). Collection method: clinical testing. Allele origin: germline.

NM_000520.6(HEXA):c.597C>T (p.Asn199=)

Gene: HEXA (hexosaminidase subunit alpha; minus strand). Cytogenetic location: 15q23.
Variant type: single nucleotide variant.
Coding change: c.597C>T on transcript NM_000520.6 (MANE Select); coding-DNA position 597, C replaced by T.
Protein change: p.Asn199=; no amino-acid change (asparagine 199 retained).
Molecular consequence: synonymous variant. On other transcripts: non-coding transcript variant (1).
Genome position (GRCh38, 1-based): chr15:72,351,208, G>A on the plus strand (C>T on the coding strand, the complement: HEXA is on the minus strand). VCF-style: chr15-72351208-G-A. GRCh37 (hg19) VCF-style: chr15-72643549-G-A.
Other names: c.630C>T, p.Asn210= (NM_001318825.2).
Identifiers: ClinVar variation 701951 (VCV000701951.11), dbSNP rs756010672, ClinGen allele CA7644948.
Genomic context (GRCh38, chr15:72,351,208, plus strand): 5'-TGGAAAAGTGAAGCTCTCATATGGGAAGGAAGGATCATCTACCAGATGCCAGTGGAACAC[G>A]TTCAATTTATTGTACGCCATGACATCCTGTAGGTTAAAGTGCACACTGTGAACCCATCAC-3'
Protein context (NP_000511.2, residues 189-209): TLDVMAYNKL[Asn199=]VFHWHLVDDP